The following is an entry in ClinVar:

Conditions:
Long QT syndrome 5 (LQT5). Identifiers: Orphanet 101016, Orphanet 768, MedGen C1867904, MONDO:0013372, OMIM 613695.

Submission:

Roden Lab, Vanderbilt University Medical Center
No classification provided (evidence only). Condition: Long QT syndrome 5. Review status: no classification provided. Collection method: in vitro. Allele origin: not applicable. Functional consequence: Effect on ion channel function.
ClinVar note: "not provided" was previously submitted as the classification for the variant. However, the classification appeared to be based only on an observation of functional data so it was converted to no classification on 2025-07-30.

NM_000219.6(KCNE1):c.326T>G (p.Val109Gly)

Gene: KCNE1 (potassium voltage-gated channel subfamily E regulatory subunit 1; minus strand). Cytogenetic location: 21q22.12.
Variant type: single nucleotide variant.
Coding change: c.326T>G on transcript NM_000219.6 (MANE Select); coding-DNA position 326, T replaced by G.
Protein change: p.Val109Gly; replaces valine 109 with glycine.
Molecular consequence: missense variant.
Genome position (GRCh38, 1-based): chr21:34,449,309, A>C on the plus strand (T>G on the coding strand, the complement: KCNE1 is on the minus strand). VCF-style: chr21-34449309-A-C. GRCh37 (hg19) VCF-style: chr21-35821607-A-C.
Other names: c.326T>G, p.Val109Gly (NM_001127668.4, NM_001127669.4, NM_001127670.4 and 4 more transcripts); short protein forms V109G.
Identifiers: ClinVar variation 3374647 (VCV003374647.2).
Genomic context (GRCh38, chr21:34,449,309, plus strand): 5'-GGGGAAGGCTTCGTCTCAGGAAGGTGTGTGTTGGGTTGTTCTATGGCCAGATGGTTTTCA[A>C]CGACATAGCACGACCTGTAGCTCTCCAGGACCCGGGCCTGGACATAGGCCTTGTCCTTCT-3'
Protein context (NP_000210.2, residues 99-119): VLESYRSCYV[Val109Gly]ENHLAIEQPN